The following is an entry in ClinVar:

NM_015047.3(EMC1):c.1949C>G (p.Thr650Arg)

Genes: EMC1 (ER membrane protein complex subunit 1; minus strand), EMC1-AS1 (EMC1 antisense RNA 1; plus strand). Cytogenetic location: 1p36.13.
Variant type: single nucleotide variant.
Coding change: c.1949C>G on transcript NM_015047.3 (MANE Select); coding-DNA position 1949, C replaced by G.
Protein change: p.Thr650Arg; replaces threonine 650 with arginine.
Molecular consequence: missense variant.
Genome position (GRCh38, 1-based): chr1:19,230,959, G>C on the plus strand (C>G on the coding strand, the complement: EMC1 is on the minus strand). VCF-style: chr1-19230959-G-C. GRCh37 (hg19) VCF-style: chr1-19557453-G-C.
Other names: c.1946C>G, p.Thr649Arg (NM_001271427.2, NM_001271428.2); c.1883C>G, p.Thr628Arg (NM_001271429.2); c.1958C>G, p.Thr653Arg (NM_001375820.1); c.1955C>G, p.Thr652Arg (NM_001375821.1); short protein forms T652R, T628R, T653R, T649R, T650R.
Identifiers: ClinVar variation 1414589 (VCV001414589.8), dbSNP rs778193486, ClinGen allele CA652445.
Genomic context (GRCh38, chr1:19,230,959, plus strand): 5'-AAGATGGAAGGGGCAAGCTCATGTAGCTGTCGCAAGACATTCCGAGTGGCTGGAAAAGCT[G>C]TGACCTTGAAAAACCCAGAGAGCCCAAGGAAAGAGTTAGGAAATTTCCCCATCAAAGAGA-3'
Protein context (NP_055862.1, residues 640-660): LLLIDDEYKV[Thr650Arg]AFPATRNVLR

ClinVar aggregate classification (germline): Uncertain significance (1 of 4 stars; one submission).

Allele frequency attached by ClinVar (database versions not stated): ExAC 0.00001; gnomAD 0.00001; gnomAD exomes 0.00001; TOPMed 0.00001.
gnomAD v4.1: 28 of 1,613,916 alleles (0.0017%); highest among the groups gnomAD compares: Non-Finnish European, 0.0022%; 1 homozygote.

Submission:

Labcorp Genetics (formerly Invitae), Labcorp
Classification: Uncertain significance. Last evaluated: 2026-01-18. Review status: criteria provided, single submitter. Criteria: Invitae Variant Classification Sherloc (09022015). Collection method: clinical testing. Allele origin: germline.
Comment: This sequence change replaces threonine, which is neutral and polar, with arginine, which is basic and polar, at codon 650 of the EMC1 protein (p.Thr650Arg). This variant is present in population databases (rs778193486, gnomAD 0.002%). This variant has not been reported in the literature in individuals affected with EMC1-related conditions. ClinVar contains an entry for this variant (Variation ID: 1414589). Invitae Evidence Modeling of protein sequence and biophysical properties (such as structural, functional, and spatial information, amino acid conservation, physicochemical variation, residue mobility, and thermodynamic stability) indicates that this missense variant is not expected to disrupt EMC1 protein function with a negative predictive value of 80%. In summary, the available evidence is currently insufficient to determine the role of this variant in disease. Therefore, it has been classified as a Variant of Uncertain Significance.